The following is an entry in ClinVar:

NM_001792.5(CDH2):c.1167dup (p.Glu390Ter)

Gene: CDH2 (cadherin 2; minus strand). Cytogenetic location: 18q12.1.
Variant type: Duplication.
Coding change: c.1167dup on transcript NM_001792.5 (MANE Select); coding-DNA position 1167, one base duplicated (T; older notation c.1167dupT).
Protein change: p.Glu390Ter; replaces glutamic acid 390 with a stop codon.
Molecular consequence: nonsense.
Genome position (GRCh38, 1-based): chr18:27,992,832, A duplicated on the plus strand (T on the coding strand, the reverse complement: CDH2 is on the minus strand). VCF-style (leftmost placement, unchanged base first): chr18-27992831-C-CA. GRCh37 (hg19) VCF-style: chr18-25572795-C-CA.
Other names: c.1074dup, p.Glu359Ter (NM_001308176.2); short protein forms E359*, E390*.
Identifiers: ClinVar variation 1806605 (VCV001806605.1), dbSNP rs2510799490, ClinGen allele CA2580095634.

ClinVar aggregate classification (germline): Uncertain significance (1 of 4 stars; one submission).

Submission:

GeneDx
Classification: Uncertain significance. Last evaluated: 2022-06-23. Review status: criteria provided, single submitter. Criteria: GeneDx Variant Classification Process June 2021. Collection method: clinical testing. Allele origin: germline. Affected: yes.
Comment: Not observed at significant frequency in large population cohorts (gnomAD); Nonsense variant predicted to result in protein truncation or nonsense mediated decay in a gene or region of a gene for which loss of function is not a well-established mechanism of disease; Has not been previously published as pathogenic or benign to our knowledge